The following is an entry in ClinVar:

ClinVar aggregate classification (germline): Benign. Review status: criteria provided, multiple submitters, no conflicts (2 of 4 stars). 15 submissions from 14 submitters: Benign (12). 3 of the submissions do not count toward it. Last evaluated 2026-02-04.

Conditions:
Alport syndrome. Also called: Hemorrhagic familial nephritis; Hemorrhagic hereditary nephritis; Congenital hereditary hematuria. Identifiers: Orphanet 63, MedGen C1567741, MONDO:0018965.
Autosomal dominant Alport syndrome (ATS3A). Also called: Alport syndrome dominant type; Renal failure and sensorineural hearing loss; ALPORT SYNDROME 3A, AUTOSOMAL DOMINANT. Identifiers: Orphanet 63, Orphanet 88918, MedGen C5882663, MONDO:0007086, OMIM 104200.
Autosomal recessive Alport syndrome (ATS2). Also called: ALPORT SYNDROME 2, AUTOSOMAL RECESSIVE; Alport syndrome type 2; COL4A4 Alport Syndrome and Thin Basement Membrane Nephropathy; COL4A3-Related Nephropathy. Identifiers: Orphanet 63, Orphanet 88919, MedGen C4746745, MONDO:0008762, OMIM 203780.

Allele frequency attached by ClinVar (database versions not stated): ESP Exome Variant Server 0.71804; TOPMed 0.72595; gnomAD 0.72668 and 0.73360; gnomAD exomes 0.75316 and 0.76827; 1000 Genomes Project 30x 0.76202; ExAC 0.76673; 1000 Genomes Project 0.76757.

Submissions (15):

Labcorp Genetics (formerly Invitae), Labcorp
Classification: Benign. Last evaluated: 2026-02-04. Review status: criteria provided, single submitter. Criteria: Invitae Variant Classification Sherloc (09022015). Collection method: clinical testing. Allele origin: germline.

Blueprint Genetics
Classification: Benign. Last evaluated: 2024-11-26. Review status: criteria provided, single submitter. Criteria: ACMG Guidelines, 2015. Collection method: clinical testing. Allele origin: germline.

Unidad de Genómica Garrahan, Hospital de Pediatría Garrahan
Classification: Benign. Last evaluated: 2024-07-15. Review status: criteria provided, single submitter. Criteria: ACMG Guidelines, 2015. Collection method: clinical testing. Allele origin: germline. Affected: no. Observed: 86 variant alleles.
Comment: This variant is classified as Benign based on local population frequency. This variant was detected in 92% of patients studied in a panel designed for Epileptic and Developmental Encephalopathy and Progressive Myoclonus Epilepsy. Number of patients: 86. Only high quality variants are reported.

Mayo Clinic Laboratories, Mayo Clinic
Classification: Benign. Last evaluated: 2022-03-09. Review status: criteria provided, single submitter. Criteria: ACMG Guidelines, 2015. Collection method: clinical testing. Allele origin: germline. Observed: 353 variant alleles.

Genome-Nilou Lab
Classification: Benign for Autosomal dominant Alport syndrome. Last evaluated: 2021-07-30. Review status: criteria provided, single submitter. Criteria: ACMG Guidelines, 2015. Collection method: clinical testing. Allele origin: germline. Affected: no.

Genome-Nilou Lab
Classification: Benign for Autosomal recessive Alport syndrome. Last evaluated: 2021-06-10. Review status: criteria provided, single submitter. Criteria: ACMG Guidelines, 2015. Collection method: clinical testing. Allele origin: germline. Affected: no.

Athena Diagnostics
Classification: Benign. Last evaluated: 2021-04-22. Review status: criteria provided, single submitter. Criteria: Athena Diagnostics Criteria. Collection method: clinical testing. Allele origin: unknown.

Illumina Laboratory Services, Illumina
Classification: Benign for Alport syndrome. Last evaluated: 2018-01-12. Review status: criteria provided, single submitter. Criteria: ICSL Variant Classification Criteria 13 December 2019. Collection method: clinical testing. Allele origin: germline.
Comment: This variant was observed in the ICSL laboratory as part of a predisposition screen in an ostensibly healthy population. It had not been previously curated by ICSL or reported in the Human Gene Mutation Database (HGMD: prior to June 1st, 2018), and was therefore a candidate for classification through an automated scoring system. Utilizing variant allele frequency, disease prevalence and penetrance estimates, and inheritance mode, an automated score was calculated to assess if this variant is too frequent to cause the disease. Based on the score and internal cut-off values, a variant classified as benign is not then subjected to further curation. The score for this variant resulted in a classification of benign for this disease.

GeneDx
Classification: Benign. Last evaluated: 2017-05-09. Review status: criteria provided, single submitter. Criteria: GeneDx Variant Classification (06012015). Collection method: clinical testing. Allele origin: germline. Affected: yes.
Comment: This variant is considered likely benign or benign based on one or more of the following criteria: it is a conservative change, it occurs at a poorly conserved position in the protein, it is predicted to be benign by multiple in silico algorithms, and/or has population frequency not consistent with disease.

Laboratory for Molecular Medicine, Mass General Brigham Personalized Medicine
Classification: Benign. Last evaluated: 2016-03-21. Review status: criteria provided, single submitter. Criteria: LMM Criteria. Collection method: clinical testing. Allele origin: germline. Observed: 260 variant alleles.
Comment: p.Leu399Leu in exon 21 of COL4A3: This variant is not expected to have clinical significance because it does not alter an amino acid residue, is not located wit hin the splice consensus sequence, and has been identified in 89.00% (7590/8528) of East Asian chromosomes by the Exome Aggregation Consortium (ExAC; dbSNP rs10205042).

Breakthrough Genomics
Classification: Benign. Review status: criteria provided, single submitter. Criteria: ACMG Guidelines, 2015. Collection method: not provided. Allele origin: germline. Inheritance: Autosomal recessive inheritance. Affected: yes.

PreventionGenetics, part of Exact Sciences
Classification: Benign. Review status: criteria provided, single submitter. Criteria: ACMG Guidelines, 2015. Collection method: clinical testing. Allele origin: germline.

Natera, Inc.
Classification: Benign for Alport syndrome. Last evaluated: 2020-09-16. Review status: no assertion criteria provided. Collection method: clinical testing. Allele origin: germline. Not counted in ClinVar's aggregate classification.

Diagnostic Laboratory, Department of Genetics, University Medical Center Groningen
Classification: Benign. Review status: no assertion criteria provided. Collection method: clinical testing. Allele origin: germline. Affected: yes. Study: VKGL Data-share Consensus. Not counted in ClinVar's aggregate classification.

Joint Genome Diagnostic Labs from Nijmegen and Maastricht, Radboudumc and MUMC+
Classification: Benign. Review status: no assertion criteria provided. Collection method: clinical testing. Allele origin: germline. Affected: yes. Study: VKGL Data-share Consensus. Not counted in ClinVar's aggregate classification.

NM_000091.5(COL4A3):c.1195C>T (p.Leu399=)

Genes: MFF-DT (MFF divergent transcript; minus strand), COL4A3 (collagen type IV alpha 3 chain; plus strand). Cytogenetic location: 2q36.3.
Variant type: single nucleotide variant.
Coding change: c.1195C>T on transcript NM_000091.5 (MANE Select); coding-DNA position 1195, C replaced by T.
Protein change: p.Leu399=; no amino-acid change (leucine 399 retained).
Molecular consequence: synonymous variant.
Genome position (GRCh38, 1-based): chr2:227,263,824, C>T. VCF-style: chr2-227263824-C-T. GRCh37 (hg19) VCF-style: chr2-228128540-C-T.
Other names: p.Leu399=.
Identifiers: ClinVar variation 254976 (VCV000254976.32), dbSNP rs10205042, ClinGen allele CA2146582.
Genomic context (GRCh38, chr2:227,263,824, plus strand): 5'-GATTATTTTCTCCAAGGATCATCAAGGCCTGGCCTCAGAGGAGCCCCTGGATGGCCAGGC[C>T]TGAAAGGAAGTAAAGGGGAACGAGGCCGCCCAGGAAAGGATGCCATGGGGACTCCTGGGT-3'
Protein context (NP_000082.2, residues 389-409): GLRGAPGWPG[Leu399=]KGSKGERGRP